The following is an entry in ClinVar:

NM_002470.4(MYH3):c.4357-1G>A

Genes: MYH3 (myosin heavy chain 3; minus strand), LOC130060295 (ATAC-STARR-seq lymphoblastoid active region 11731; plus strand). Cytogenetic location: 17p13.1.
Variant type: single nucleotide variant.
Coding change: c.4357-1G>A on transcript NM_002470.4 (MANE Select); the canonical splice acceptor site of the intron before coding-DNA position 4357, G replaced by A.
Molecular consequence: splice acceptor variant.
Genome position (GRCh38, 1-based): chr17:10,634,183, C>T on the plus strand (G>A on the coding strand, the complement: MYH3 is on the minus strand). VCF-style: chr17-10634183-C-T. GRCh37 (hg19) VCF-style: chr17-10537500-C-T.
Other names: c.4357-1G>A (NM_002470.3).
Identifiers: ClinVar variation 2771102 (VCV002771102.4), dbSNP rs2508578544, ClinGen allele CA398143625.

ClinVar aggregate classification (germline): Likely pathogenic. Review status: criteria provided, single submitter (1 of 4 stars). 2 submissions from 2 submitters: Likely pathogenic (1). 1 of the submissions does not count toward it. Last evaluated 2024-01-11.

Conditions:
MYH3-related disorder. Also called: MYH3-related condition; MYH3-Related Disorders. Identifiers: MedGen CN239329.

Submissions (2):

Labcorp Genetics (formerly Invitae), Labcorp
Classification: Likely pathogenic. Last evaluated: 2024-01-11. Review status: criteria provided, single submitter. Criteria: Invitae Variant Classification Sherloc (09022015). Collection method: clinical testing. Allele origin: germline.
Comment: This sequence change affects an acceptor splice site in intron 31 of the MYH3 gene. It is expected to disrupt RNA splicing. Variants that disrupt the donor or acceptor splice site typically lead to a loss of protein function (PMID: 16199547), and loss-of-function variants in MYH3 are known to be pathogenic (PMID: 29805041, 30008475). This variant is not present in population databases (gnomAD no frequency). This variant has not been reported in the literature in individuals affected with MYH3-related conditions. Algorithms developed to predict the effect of sequence changes on RNA splicing suggest that this variant may disrupt the consensus splice site. In summary, the currently available evidence indicates that the variant is pathogenic, but additional data are needed to prove that conclusively. Therefore, this variant has been classified as Likely Pathogenic.

PreventionGenetics, part of Exact Sciences
Classification: Likely pathogenic for MYH3-related condition. Last evaluated: 2024-05-22. Review status: no assertion criteria provided. Collection method: clinical testing. Allele origin: germline. Not counted in ClinVar's aggregate classification.
Comment: The MYH3 c.4357-1G>A variant is predicted to disrupt the AG splice acceptor site and interfere with normal splicing. To our knowledge, this variant has not been reported in the literature or in a large population database, indicating this variant is rare. Variants that disrupt the consensus splice donor site in MYH3 are expected to be pathogenic. This variant is interpreted as likely pathogenic.

Literature cited by the submitters: PubMed 16199547 (cited by Labcorp Genetics (formerly Invitae), Labcorp); PubMed 29805041 (cited by Labcorp Genetics (formerly Invitae), Labcorp); PubMed 30008475 (cited by Labcorp Genetics (formerly Invitae), Labcorp).